The following is an entry in ClinVar:

NM_005506.4(SCARB2):c.402A>G (p.Arg134=)

Gene: SCARB2 (scavenger receptor class B member 2; minus strand). Cytogenetic location: 4q21.1.
Variant type: single nucleotide variant.
Coding change: c.402A>G on transcript NM_005506.4 (MANE Select); coding-DNA position 402, A replaced by G.
Protein change: p.Arg134=; no amino-acid change (arginine 134 retained).
Molecular consequence: synonymous variant. On other transcripts: intron variant (1).
Genome position (GRCh38, 1-based): chr4:76,180,975, T>C on the plus strand (A>G on the coding strand, the complement: SCARB2 is on the minus strand). VCF-style: chr4-76180975-T-C. GRCh37 (hg19) VCF-style: chr4-77102128-T-C.
Other names: c.276-5065A>G (NM_001204255.2).
Identifiers: ClinVar variation 378503 (VCV000378503.36), dbSNP rs778684185, ClinGen allele CA2970343.

ClinVar aggregate classification (germline): Likely benign. Review status: criteria provided, multiple submitters, no conflicts (2 of 4 stars). 3 submissions from 3 submitters: Likely benign (3). Last evaluated 2025-12-15.

Conditions:
Progressive myoclonic epilepsy. Also called: Progressive myoclonus epilepsy; Myoclonus epilepsy; Familial progressive myoclonic epilepsy; Myoclonic Epilepsies, Progressive. Identifiers: Orphanet 308, Orphanet 98261, MedGen C0751778, MONDO:0020074.

Allele frequency attached by ClinVar (database versions not stated): ExAC 0.00005; gnomAD exomes 0.00005 and 0.00010; TOPMed 0.00008; gnomAD 0.00009.
gnomAD v4.1: 171 of 1,612,666 alleles (0.011%); highest among the groups gnomAD compares: Non-Finnish European, 0.013%; no homozygotes.

Submissions (3):

Labcorp Genetics (formerly Invitae), Labcorp
Classification: Likely benign for Progressive myoclonic epilepsy. Last evaluated: 2025-12-15. Review status: criteria provided, single submitter. Criteria: Invitae Variant Classification Sherloc (09022015). Collection method: clinical testing. Allele origin: germline.

CeGaT Center for Human Genetics Tuebingen
Classification: Likely benign. Last evaluated: 2023-11-01. Review status: criteria provided, single submitter. Criteria: CeGaT Center For Human Genetics Tuebingen Variant Classification Criteria Version 2. Collection method: clinical testing. Allele origin: germline. Affected: yes. Observed: 1 variant allele.
Comment: SCARB2: BP4, BP7

GeneDx
Classification: Likely benign. Last evaluated: 2018-05-23. Review status: criteria provided, single submitter. Criteria: GeneDx Variant Classification Process June 2021. Collection method: clinical testing. Allele origin: germline. Affected: yes.